The following is an entry in ClinVar:

NM_000168.6(GLI3):c.356A>C (p.Glu119Ala)

Gene: GLI3 (GLI family zinc finger 3; minus strand). Cytogenetic location: 7p14.1.
Variant type: single nucleotide variant.
Coding change: c.356A>C on transcript NM_000168.6 (MANE Select); coding-DNA position 356, A replaced by C.
Protein change: p.Glu119Ala; replaces glutamic acid 119 with alanine.
Molecular consequence: missense variant.
Genome position (GRCh38, 1-based): chr7:42,148,237, T>G on the plus strand (A>C on the coding strand, the complement: GLI3 is on the minus strand). VCF-style: chr7-42148237-T-G. GRCh37 (hg19) VCF-style: chr7-42187836-T-G.
Other names: short protein forms E119A.
Identifiers: ClinVar variation 3234933 (VCV003234933.1), dbSNP rs2485049547, ClinGen allele CA367550188.

ClinVar aggregate classification (germline): Uncertain significance (1 of 4 stars; one submission).

Conditions:
Pallister-Hall syndrome (PHS). Also called: HYPOTHALAMIC HAMARTOBLASTOMA, HYPOPITUITARISM, IMPERFORATE ANUS, AND POSTAXIAL POLYDACTYLY; GLI3-Related Pallister-Hall Syndrome. Identifiers: Orphanet 672, MedGen C0265220, MONDO:0007804, OMIM 146510.

Submission:

Neuberg Centre For Genomic Medicine, NCGM
Classification: Uncertain significance for Pallister-Hall syndrome. Review status: criteria provided, single submitter. Criteria: ACMG Guidelines, 2015. Collection method: clinical testing. Allele origin: germline. Inheritance: Autosomal dominant inheritance. Affected: yes.
Comment: The missense c.356A>Cp.Glu119Ala variant in GLI3 gene has not been reported previously as a pathogenic variant nor as a benign variant, to our knowledge. This variant is novel not in any individuals in gnomAD Exomes and 1000 Genomes. The amino acid Glu at position 119 is changed to a Ala changing protein sequence and it might alter its composition and physico-chemical properties. The amino acid change p.Glu119Ala in GLI3 is predicted as conserved by GERP++ and PhyloP across 100 vertebrates. The variant is predicted as damaging by SIFT. For these reasons, this variant has been classified as Uncertain Significance.